The following is an entry in ClinVar:

ClinVar aggregate classification (germline): Uncertain significance (1 of 4 stars; one submission).

gnomAD v4.1: 3 of 1,608,686 alleles (0.00019%); highest among the groups gnomAD compares: Non-Finnish European, 0.00025%; no homozygotes.

Submission:

Ambry Genetics
Classification: Uncertain significance. Last evaluated: 2025-09-13. Review status: criteria provided, single submitter. Criteria: Ambry Variant Classification Scheme 2023. Collection method: clinical testing. Allele origin: germline.
Comment: The p.K271E variant (also known as c.811A>G), located in coding exon 7 of the GEN1 gene, results from an A to G substitution at nucleotide position 811. The lysine at codon 271 is replaced by glutamic acid, an amino acid with similar properties. This amino acid position is conserved. In addition, this alteration is predicted to be tolerated by in silico analysis. Based on the available evidence, the clinical significance of this variant remains unclear.

NM_001130009.3(GEN1):c.811A>G (p.Lys271Glu)

Gene: GEN1 (GEN1 Holliday junction 5' flap endonuclease; plus strand). Cytogenetic location: 2p24.2.
Variant type: single nucleotide variant.
Coding change: c.811A>G on transcript NM_001130009.3 (MANE Select); coding-DNA position 811, A replaced by G.
Protein change: p.Lys271Glu; replaces lysine 271 with glutamic acid.
Molecular consequence: missense variant.
Genome position (GRCh38, 1-based): chr2:17,772,642, A>G. VCF-style: chr2-17772642-A-G. GRCh37 (hg19) VCF-style: chr2-17953909-A-G.
Other names: c.811A>G, p.Lys271Glu (NM_182625.5); short protein forms K271E.
Identifiers: ClinVar variation 4263137 (VCV004263137.1).